The following is an entry in ClinVar:

ClinVar aggregate classification (germline): Uncertain significance (1 of 4 stars; one submission).

gnomAD v4.1: 2 of 1,577,492 alleles (0.00013%); highest among the groups gnomAD compares: Non-Finnish European, 0.00017%; no homozygotes.

Submission:

Labcorp Genetics (formerly Invitae), Labcorp
Classification: Uncertain significance. Last evaluated: 2022-09-04. Review status: criteria provided, single submitter. Criteria: Invitae Variant Classification Sherloc (09022015). Collection method: clinical testing. Allele origin: germline.
Comment: In summary, the available evidence is currently insufficient to determine the role of this variant in disease. Therefore, it has been classified as a Variant of Uncertain Significance. Algorithms developed to predict the effect of sequence changes on RNA splicing suggest that this variant may disrupt the consensus splice site. This variant has been observed in individual(s) with clinical features of SPARC-related conditions (Invitae). This variant is not present in population databases (gnomAD no frequency). This sequence change affects codon 106 of the SPARC mRNA. It is a 'silent' change, meaning that it does not change the encoded amino acid sequence of the SPARC protein.

NM_003118.4(SPARC):c.318C>T (p.Gly106=)

Gene: SPARC (secreted protein acidic and cysteine rich; minus strand). Cytogenetic location: 5q33.1.
Variant type: single nucleotide variant.
Coding change: c.318C>T on transcript NM_003118.4 (MANE Select); coding-DNA position 318, C replaced by T.
Protein change: p.Gly106=; no amino-acid change (glycine 106 retained).
Molecular consequence: synonymous variant.
Genome position (GRCh38, 1-based): chr5:151,671,585, G>A on the plus strand (C>T on the coding strand, the complement: SPARC is on the minus strand). VCF-style: chr5-151671585-G-A. GRCh37 (hg19) VCF-style: chr5-151051146-G-A.
Other names: c.315C>T, p.Gly105= (NM_001309443.2); c.318C>T, p.Gly106= (NM_001309444.2).
Identifiers: ClinVar variation 2063215 (VCV002063215.3), dbSNP rs1760749202, ClinGen allele CA447212376.